The following is an entry in ClinVar:

ClinVar aggregate classification (germline): Uncertain significance (3 of 4 stars; one submission).

Conditions:
Monogenic diabetes. Identifiers: Orphanet 183625, MedGen C3888631, MONDO:0015967.

Submission:

ClinGen Monogenic Diabetes Variant Curation Expert Panel
Classification: Uncertain significance for Monogenic diabetes. Last evaluated: 2024-09-10. Review status: reviewed by expert panel. Criteria: ClinGen Diabetes ACMG Specifications HNF4A V2.0.0. Collection method: curation. Allele origin: germline. Inheritance: Autosomal dominant inheritance.
Comment: The c.539C>T variant in the hepatocyte nuclear factor 4 alpha gene, HNF4A, is a missense variant at codon 180 (p.(Ala180Val)) of NM_175914.5. This variant is absent from gnomAD v2.1.1 (PM2_Supporting). This variant is predicted to be deleterious by computational evidence, with a REVEL score of 0.966, which is greater than the MDEP VCEP threshold of 0.70 (PP3). This variant is located within the ligand-binding domain (codons 180-220) of HNF4A, which is defined as critical for the protein's function by the ClinGen MDEP (PM1_Supporting). Another missense variant p.(Ala180Asp) has been classified as a VUS by the ClinGen MDEP, therefore, PM5 will not be applied. In summary, c.539C>T meets the criteria to be classified as VUS for monogenic diabetes. ACMG/AMP criteria applied, as specified by the ClinGen MDEP VCEP (specification version 2.0.0, approved 10/11/2023): PM2_Supporting, PP3, PM1_Supporting.

NM_175914.5(HNF4A):c.539C>T (p.Ala180Val)

Gene: HNF4A (hepatocyte nuclear factor 4 alpha; plus strand). Cytogenetic location: 20q13.12.
Variant type: single nucleotide variant.
Coding change: c.539C>T on transcript NM_175914.5 (MANE Select); coding-DNA position 539, C replaced by T.
Protein change: p.Ala180Val; replaces alanine 180 with valine.
Molecular consequence: missense variant.
Genome position (GRCh38, 1-based): chr20:44,414,619, C>T. VCF-style: chr20-44414619-C-T. GRCh37 (hg19) VCF-style: chr20-43043259-C-T.
Other names: NM_175914.5:c.539C>T; c.605C>T, p.Ala202Val (NM_000457.6, NM_178849.3, NM_178850.3); c.539C>T, p.Ala180Val (NM_001030003.3, NM_001030004.3); c.584C>T, p.Ala195Val (NM_001258355.2); c.530C>T, p.Ala177Val (NM_001287182.2, NM_001287183.2, NM_001287184.2); short protein forms A177V, A180V, A195V, A202V.
Identifiers: ClinVar variation 3358875 (VCV003358875.1).